The following is an entry in ClinVar:

ClinVar aggregate classification (germline): Uncertain significance (1 of 4 stars; one submission).

Conditions:
MELAS syndrome (MELAS). Also called: Juvenile myopathy, encephalopathy, lactic acidosis, stroke. Identifiers: Orphanet 550, MedGen C0162671, MONDO:0010789, OMIM 540000.

Submission:

Wong Mito Lab, Molecular and Human Genetics, Baylor College of Medicine
Classification: Uncertain significance for MELAS syndrome. Last evaluated: 2019-07-12. Review status: criteria provided, single submitter. Criteria: Modified ACMG Guidelines (Unpublished). Collection method: clinical testing. Allele origin: germline.
Comment: The NC_012920.1:m.15995G>A variant in MT-TP gene is interpreted to be a Unknown Significance variant based on the modified ACMG guidelines (unpublished). This variant meets the following evidence codes reported in the guidelines: PM7, PM9, PP6

Literature cited by the submitters: PubMed 31965079; PubMed 12406974; PubMed 12400067.

NC_012920.1(MT-TP):m.15995G>A

Gene: MT-TP (mitochondrially encoded tRNA proline; minus strand).
Variant type: single nucleotide variant.
Genome position: chrM-15995-G-A.
Identifiers: ClinVar variation 690270 (VCV000690270.1), dbSNP rs1603225630, ClinGen allele CA913175400.
Genomic context (GRCh38, chrMT:15,995, plus strand): 5'-AAACCTTTTTCCAAGGACAAATCAGAGAAAAAGTCTTTAACTCCACCATTAGCACCCAAA[G>A]CTAAGATTCTAATTTAAACTATTCTCTGTTCTTTCATGGGGAAGCAGATTTGGGTACCAC-3'